The following is an entry in ClinVar:

ClinVar aggregate classification (germline): Uncertain significance (1 of 4 stars; one submission).

Conditions:
NIK deficiency. Also called: Primary immunodeficiency with multifaceted aberrant lymphoid immunity. Identifiers: Orphanet 447731, MedGen C5680065, MONDO:0018642.

Allele frequency attached by ClinVar (database versions not stated): ExAC 0.00001; TOPMed 0.00001; gnomAD 0.00002; gnomAD exomes 0.00002.
gnomAD v4.1: 33 of 1,613,184 alleles (0.002%); highest among the groups gnomAD compares: Non-Finnish European, 0.0027%; no homozygotes.

Submission:

Labcorp Genetics (formerly Invitae), Labcorp
Classification: Uncertain significance for NIK deficiency. Last evaluated: 2022-07-23. Review status: criteria provided, single submitter. Criteria: Invitae Variant Classification Sherloc (09022015). Collection method: clinical testing. Allele origin: germline.
Comment: In summary, the available evidence is currently insufficient to determine the role of this variant in disease. Therefore, it has been classified as a Variant of Uncertain Significance. Experimental studies and prediction algorithms are not available or were not evaluated, and the functional significance of this variant is currently unknown. This variant has not been reported in the literature in individuals affected with MAP3K14-related conditions. This variant is present in population databases (rs778366182, gnomAD 0.0009%). This sequence change replaces proline, which is neutral and non-polar, with serine, which is neutral and polar, at codon 12 of the MAP3K14 protein (p.Pro12Ser).

NM_003954.5(MAP3K14):c.34C>T (p.Pro12Ser)

Gene: MAP3K14 (mitogen-activated protein kinase kinase kinase 14; minus strand). Cytogenetic location: 17q21.31.
Variant type: single nucleotide variant.
Coding change: c.34C>T on transcript NM_003954.5 (MANE Select); coding-DNA position 34, C replaced by T.
Protein change: p.Pro12Ser; replaces proline 12 with serine.
Molecular consequence: missense variant.
Genome position (GRCh38, 1-based): chr17:45,290,712, G>A on the plus strand (C>T on the coding strand, the complement: MAP3K14 is on the minus strand). VCF-style: chr17-45290712-G-A. GRCh37 (hg19) VCF-style: chr17-43368078-G-A.
Other names: short protein forms P12S.
Identifiers: ClinVar variation 2023654 (VCV002023654.4), dbSNP rs778366182, ClinGen allele CA8614459.